The following is an entry in ClinVar:

NM_001291088.2(WDR87):c.2621C>G (p.Thr874Arg)

Gene: WDR87 (WD repeat domain 87; minus strand). Cytogenetic location: 19q13.13.
Variant type: single nucleotide variant.
Coding change: c.2621C>G on transcript NM_001291088.2 (MANE Select); coding-DNA position 2621, C replaced by G.
Protein change: p.Thr874Arg; replaces threonine 874 with arginine.
Molecular consequence: missense variant.
Genome position (GRCh38, 1-based): chr19:37,893,082, G>C on the plus strand (C>G on the coding strand, the complement: WDR87 is on the minus strand). VCF-style: chr19-37893082-G-C. GRCh37 (hg19) VCF-style: chr19-38383722-G-C.
Other names: c.2504C>G, p.Thr835Arg (NM_031951.5); short protein forms T835R, T874R.
Identifiers: ClinVar variation 3618028 (VCV003618028.2).
Genomic context (GRCh38, chr19:37,893,082, plus strand): 5'-TCCTTGGAAAGTCTCATTTCTAGGAAGTGTTCATCCTCCTCCTTATTCTTTGGATATTCT[G>C]TATTACTTATAGCTCTTACCCTGCTGTGCCAGAAAAAGAATTCTTGAGACCTGTCCCATT-3'
Protein context (NP_001278017.1, residues 864-884): WHSRVRAISN[Thr874Arg]EYPKNKEEDE

ClinVar aggregate classification (germline): Uncertain significance (1 of 4 stars; one submission).

gnomAD v4.1: 6 of 1,551,700 alleles (0.00039%); highest among the groups gnomAD compares: Admixed American, 0.0098%; no homozygotes.

Submission:

Labcorp Genetics (formerly Invitae), Labcorp
Classification: Uncertain significance. Last evaluated: 2024-12-19. Review status: criteria provided, single submitter. Criteria: Invitae Variant Classification Sherloc (09022015). Collection method: clinical testing. Allele origin: germline.
Comment: This sequence change replaces threonine, which is neutral and polar, with arginine, which is basic and polar, at codon 835 of the WDR87 protein (p.Thr835Arg). This variant is present in population databases (no rsID available, gnomAD 0.008%). This variant has not been reported in the literature in individuals affected with WDR87-related conditions. An algorithm developed to predict the effect of missense changes on protein structure and function (PolyPhen-2) suggests that this variant is likely to be tolerated. In summary, the available evidence is currently insufficient to determine the role of this variant in disease. Therefore, it has been classified as a Variant of Uncertain Significance.